The following is an entry in ClinVar:

NM_206933.4(USH2A):c.14966A>G (p.Lys4989Arg)

Gene: USH2A (usherin; minus strand). Cytogenetic location: 1q41.
Variant type: single nucleotide variant.
Coding change: c.14966A>G on transcript NM_206933.4 (MANE Select); coding-DNA position 14966, A replaced by G.
Protein change: p.Lys4989Arg; replaces lysine 4989 with arginine.
Molecular consequence: missense variant.
Genome position (GRCh38, 1-based): chr1:215,640,560, T>C on the plus strand (A>G on the coding strand, the complement: USH2A is on the minus strand). VCF-style: chr1-215640560-T-C. GRCh37 (hg19) VCF-style: chr1-215813902-T-C.
Other names: short protein forms K4989R.
Identifiers: ClinVar variation 1704143 (VCV001704143.2), dbSNP rs1192238763, ClinGen allele CA344827571.
Genomic context (GRCh38, chr1:215,640,560, plus strand): 5'-CCGTAAAGCTGGGGAACAGAGCGCCTTCCACACTGAGAAACAGGAGTCAGAAACTAACTT[T>C]TGTCCGCCGTTCTCGGTATGTAGAGGGTGGTGTCCAAGCCGCTGTACACGCGTCGCCCTC-3'
Protein context (NP_996816.3, residues 4979-4999): TTLYIPRTAD[Lys4989Arg]TFFFQVICTT

ClinVar aggregate classification (germline): Uncertain significance (1 of 4 stars; one submission).

Allele frequency attached by ClinVar (database versions not stated): gnomAD exomes 0.00001; TOPMed 0.00002.
gnomAD v4.1: 9 of 1,613,566 alleles (0.00056%); highest among the groups gnomAD compares: East Asian, 0.0067%; no homozygotes.

Submission:

GeneDx
Classification: Uncertain significance. Last evaluated: 2022-08-22. Review status: criteria provided, single submitter. Criteria: GeneDx Variant Classification Process June 2021. Collection method: clinical testing. Allele origin: germline. Affected: yes.
Comment: Not observed at significant frequency in large population cohorts (gnomAD); In silico analysis supports that this missense variant does not alter protein structure/function; Has not been previously published as pathogenic or benign to our knowledge